The following is an entry in ClinVar:

NM_000112.4(SLC26A2):c.1375_1377dup (p.Val459dup)

Gene: SLC26A2 (solute carrier family 26 member 2; plus strand). Cytogenetic location: 5q32.
Variant type: Duplication.
Coding change: c.1375_1377dup on transcript NM_000112.4 (MANE Select); coding-DNA positions 1375 to 1377, 3 bases duplicated (GTA; older notation c.1375_1377dupGTA).
Protein change: p.Val459dup; duplicates valine 459.
Molecular consequence: inframe insertion.
Genome position (GRCh38, 1-based): chr5:149,980,968-149,980,970, GTA duplicated. VCF-style (leftmost placement, unchanged base first): chr5-149980967-G-GGTA. GRCh37 (hg19) VCF-style: chr5-149360530-G-GGTA.
Other names: c.1374_1375insGTA (NM_000112.4).
Identifiers: ClinVar variation 1326261 (VCV001326261.2), dbSNP rs2113698643, ClinGen allele CA2573052454.

ClinVar aggregate classification (germline): Likely pathogenic (0 of 4 stars; one submission).

Conditions:
Diastrophic dysplasia (DTD). Also called: Diastrophic dwarfism. Identifiers: Orphanet 628, MedGen C0220726, MONDO:0009107, OMIM 222600.

Submission:

Institute of Medical Genetics and Genomics, Sir Ganga Ram Hospital
Classification: Likely pathogenic for Diastrophic dysplasia. Last evaluated: 2021-11-24. Review status: no assertion criteria provided. Collection method: clinical testing. Allele origin: germline. Inheritance: Autosomal recessive inheritance. Affected: yes. Observed: 1 homozygote.
Comment: The novel homozygous in-frame insertion variant c.1374_1375insGTA (p.V459_T460insV) variant has not been observed in gnomAD and 1000g. Diastrophic dysplasia is an autosomal recessive disorder. Based on the phenotypic observation we classify this variant to be likely pathogenic.